The following is an entry in ClinVar:

ClinVar aggregate classification (germline): Uncertain significance (1 of 4 stars; one submission).

Conditions:
Hereditary spastic paraplegia 49 (HSAN9). Also called: TECPR2-Related Hereditary Sensory and Autonomic Neuropathy with Intellectual Disability; NEUROPATHY, HEREDITARY SENSORY AND AUTONOMIC, TYPE IX, WITH DEVELOPMENTAL DELAY; Spastic paraplegia 49, autosomal recessive. Identifiers: Orphanet 320385, MedGen C5190860, MONDO:0014016, OMIM 615031.

Allele frequency attached by ClinVar (database versions not stated): gnomAD 0.00003; gnomAD exomes 0.00003; TOPMed 0.00003; ExAC 0.00004; ESP Exome Variant Server 0.00008.
gnomAD v4.1: 55 of 1,611,040 alleles (0.0034%); highest among the groups gnomAD compares: Middle Eastern, 0.033%; no homozygotes.

Submission:

Labcorp Genetics (formerly Invitae), Labcorp
Classification: Uncertain significance for Hereditary spastic paraplegia 49. Last evaluated: 2022-05-16. Review status: criteria provided, single submitter. Criteria: Invitae Variant Classification Sherloc (09022015). Collection method: clinical testing. Allele origin: germline.
Comment: This sequence change replaces alanine, which is neutral and non-polar, with threonine, which is neutral and polar, at codon 791 of the TECPR2 protein (p.Ala791Thr). This variant is present in population databases (rs144074189, gnomAD 0.007%). This variant has not been reported in the literature in individuals affected with TECPR2-related conditions. Algorithms developed to predict the effect of missense changes on protein structure and function output the following: SIFT: "Tolerated"; PolyPhen-2: "Benign"; Align-GVGD: "Class C0". The threonine amino acid residue is found in multiple mammalian species, which suggests that this missense change does not adversely affect protein function. In summary, the available evidence is currently insufficient to determine the role of this variant in disease. Therefore, it has been classified as a Variant of Uncertain Significance.

NM_014844.5(TECPR2):c.2371G>A (p.Ala791Thr)

Gene: TECPR2 (tectonin beta-propeller repeat containing 2; plus strand). Cytogenetic location: 14q32.31.
Variant type: single nucleotide variant.
Coding change: c.2371G>A on transcript NM_014844.5 (MANE Select); coding-DNA position 2371, G replaced by A.
Protein change: p.Ala791Thr; replaces alanine 791 with threonine.
Molecular consequence: missense variant.
Genome position (GRCh38, 1-based): chr14:102,435,188, G>A. VCF-style: chr14-102435188-G-A. GRCh37 (hg19) VCF-style: chr14-102901525-G-A.
Other names: c.2371G>A, p.Ala791Thr (NM_001172631.3); short protein forms A791T.
Identifiers: ClinVar variation 2040946 (VCV002040946.1), dbSNP rs144074189, ClinGen allele CA7357899.